The following is an entry in ClinVar:

ClinVar aggregate classification (germline): Conflicting classifications of pathogenicity. Review status: criteria provided, conflicting classifications (1 of 4 stars). 3 submissions from 3 submitters: Uncertain significance (1); Likely benign (2). Last evaluated 2026-08-30.

Conditions:
WNK1-related disorder. Also called: WNK1-related condition.
Neuropathy, hereditary sensory and autonomic, type 2A (HSAN2A). Also called: MORVAN DISEASE; HSAN IIA; ACROOSTEOLYSIS, GIACCAI TYPE; ACROOSTEOLYSIS, NEUROGENIC; WNK1-Related HSAN2 (HSAN2A); NEUROPATHY, CONGENITAL SENSORY. Identifiers: Orphanet 970, MedGen C2752089, MONDO:0024309, OMIM 201300.
Pseudohypoaldosteronism type 2C (PHA2C). Also called: Pseudohypoaldosteronism Type IIC. Identifiers: Orphanet 757, Orphanet 88940, MedGen C1840391, MONDO:0013778, OMIM 614492.

Allele frequency attached by ClinVar (database versions not stated): gnomAD exomes 0.00001 and 0.00002; ExAC 0.00002; ESP Exome Variant Server 0.00008; TOPMed 0.00009; gnomAD 0.00012.
gnomAD v4.1: 31 of 1,613,926 alleles (0.0019%); highest among the groups gnomAD compares: African/African-American, 0.04%; no homozygotes.

Submissions (3):

PreventionGenetics, part of Exact Sciences
Classification: Likely benign for WNK1-related condition. Last evaluated: 2026-08-30. Review status: criteria provided, single submitter. Criteria: ACMG Guidelines, 2015. Collection method: clinical testing. Allele origin: germline.
Comment: This variant is classified as likely benign based on ACMG/AMP sequence variant interpretation guidelines (Richards et al. 2015 PMID: 25741868, with internal and published modifications).

Labcorp Genetics (formerly Invitae), Labcorp
Classification: Likely benign for Neuropathy, hereditary sensory and autonomic, type 2A; Pseudohypoaldosteronism type 2C. Last evaluated: 2025-10-30. Review status: criteria provided, single submitter. Criteria: Invitae Variant Classification Sherloc (09022015). Collection method: clinical testing. Allele origin: germline.

Fulgent Genetics
Classification: Uncertain significance for Neuropathy, hereditary sensory and autonomic, type 2A; Pseudohypoaldosteronism type 2C. Last evaluated: 2023-12-28. Review status: criteria provided, single submitter. Criteria: ACMG Guidelines, 2015. Collection method: clinical testing. Allele origin: germline.

NM_018979.4(WNK1):c.4788A>G (p.Gln1596=)

Gene: WNK1 (WNK lysine deficient protein kinase 1; plus strand). Cytogenetic location: 12p13.33.
Variant type: single nucleotide variant.
Coding change: c.4788A>G on transcript NM_018979.4 (MANE Select); coding-DNA position 4788, A replaced by G.
Protein change: p.Gln1596=; no amino-acid change (glutamine 1596 retained).
Molecular consequence: synonymous variant.
Genome position (GRCh38, 1-based): chr12:885,592, A>G. VCF-style: chr12-885592-A-G. GRCh37 (hg19) VCF-style: chr12-994758-A-G.
Other names: c.5568A>G, p.Gln1856= (NM_001184985.2); c.4047A>G, p.Gln1349= (NM_014823.3); c.5544A>G, p.Gln1848= (NM_213655.5); c.4788A>G (NM_018979.3).
Identifiers: ClinVar variation 1011873 (VCV001011873.12), dbSNP rs371448826, ClinGen allele CA6383031.